The following is an entry in ClinVar:

ClinVar aggregate classification (germline): Uncertain significance (1 of 4 stars; one submission).

gnomAD v4.1: 1 of 1,613,992 alleles (0.000062%); highest among the groups gnomAD compares: South Asian, 0.0011%; no homozygotes.

Submission:

GeneDx
Classification: Uncertain significance. Last evaluated: 2025-08-05. Review status: criteria provided, single submitter. Criteria: GeneDx Variant Classification Process June 2021. Collection method: clinical testing. Allele origin: germline. Affected: yes.
Comment: Not observed at significant frequency in large population cohorts (gnomAD); In silico analysis supports that this missense variant has a deleterious effect on protein structure/function; Has not been previously published as pathogenic or benign to our knowledge

NM_000256.3(MYBPC3):c.2465A>G (p.Asn822Ser)

Gene: MYBPC3 (myosin binding protein C3; minus strand). Cytogenetic location: 11p11.2.
Variant type: single nucleotide variant.
Coding change: c.2465A>G on transcript NM_000256.3 (MANE Select); coding-DNA position 2465, A replaced by G.
Protein change: p.Asn822Ser; replaces asparagine 822 with serine.
Molecular consequence: missense variant.
Genome position (GRCh38, 1-based): chr11:47,337,528, T>C on the plus strand (A>G on the coding strand, the complement: MYBPC3 is on the minus strand). VCF-style: chr11-47337528-T-C. GRCh37 (hg19) VCF-style: chr11-47359079-T-C.
Other names: short protein forms N822S.
Identifiers: ClinVar variation 4755728 (VCV004755728.1).
Genomic context (GRCh38, chr11:47,337,528, plus strand): 5'-TACACCACGCCCTCGATCATGCGCCGCGCTTCATGACTCAGCTCCTGAATCAGGTCGAAG[T>C]TCAGCCGCATCCACCGGTAGCTCTTCTTCTTCTTGCGCTCCAGGATGTAGCCTGGCTCAG-3'
Protein context (NP_000247.2, residues 812-832): KKKSYRWMRL[Asn822Ser]FDLIQELSHE